The following is an entry in ClinVar:

ClinVar aggregate classification (germline): Likely pathogenic (1 of 4 stars; one submission).

Conditions:
Bernard-Soulier syndrome, type A2, autosomal dominant (BSSA2). Also called: Bernard-Soulier syndrome, type A2 (dominant). Identifiers: Orphanet 274, MedGen C3277076, MONDO:0007930, OMIM 153670.

gnomAD v4.1: 17 of 1,613,680 alleles (0.0011%); highest among the groups gnomAD compares: Non-Finnish European, 0.0014%; no homozygotes.

Submission:

Neuberg Centre For Genomic Medicine, NCGM
Classification: Likely pathogenic for Bernard-Soulier syndrome, type A2, autosomal dominant. Last evaluated: 2023-06-22. Review status: criteria provided, single submitter. Criteria: ACMG Guidelines, 2015. Collection method: clinical testing. Allele origin: germline. Inheritance: Autosomal dominant inheritance. Affected: yes.
Comment: The observed stop gained variant c.969G>A(p.Trp323Ter) in GP1BA gene has not been reported previously as a pathogenic variant nor as a benign variant, to our knowledge. This variant is reported with 0.0004% allele frequency in gnomAD Exomes. The nucleotide change c.969G>A in GP1BA is predicted as conserved by GERP++ and PhyloP across 100 vertebrates. This variant is predicted to cause loss of normal protein function through protein truncation. Loss of function variants have been previously reported to be disease causing (Kenny D, et al., 1998). For these reasons, this variant has been classified as Likely Pathogenic.

NM_000173.7(GP1BA):c.969G>A (p.Trp323Ter)

Gene: GP1BA (glycoprotein Ib platelet subunit alpha; plus strand). Cytogenetic location: 17p13.2.
Variant type: single nucleotide variant.
Coding change: c.969G>A on transcript NM_000173.7 (MANE Select); coding-DNA position 969, G replaced by A.
Protein change: p.Trp323Ter; replaces tryptophan 323 with a stop codon.
Molecular consequence: nonsense.
Genome position (GRCh38, 1-based): chr17:4,933,573, G>A. VCF-style: chr17-4933573-G-A. GRCh37 (hg19) VCF-style: chr17-4836868-G-A.
Other names: short protein forms W323*.
Identifiers: ClinVar variation 3731495 (VCV003731495.1).